The following is an entry in ClinVar:

ClinVar aggregate classification (germline): Pathogenic (1 of 4 stars; one submission).

Conditions:
Duchenne muscular dystrophy (DMD). Also called: Duchenne Muscular Dystrophy (DMD); MUSCULAR DYSTROPHY, PSEUDOHYPERTROPHIC PROGRESSIVE, DUCHENNE TYPE. Identifiers: Orphanet 98896, MedGen C0013264, MONDO:0010679, OMIM 310200.

Submission:

Labcorp Genetics (formerly Invitae), Labcorp
Classification: Pathogenic for Duchenne muscular dystrophy. Last evaluated: 2022-04-11. Review status: criteria provided, single submitter. Criteria: Invitae Variant Classification Sherloc (09022015). Collection method: clinical testing. Allele origin: germline.
Comment: This variant is a gross deletion of the genomic region encompassing exon(s) 52-60 of the DMD gene. This variant would be expected to be in-frame, preserving the integrity of the reading frame. This variant has not been reported in the literature in individuals affected with DMD-related conditions. This variant disrupts a region of the DMD protein in which other variant(s) (Deletion (Exons 54-60)) have been determined to be pathogenic (PMID: 16049303; Invitae). This suggests that this is a clinically significant region of the protein, and that variants that disrupt it are likely to be disease-causing. For these reasons, this variant has been classified as Pathogenic.

Literature cited by the submitters: PubMed 16049303.

NC_000023.10:g.(?_31462578)_(31747885_?)del

Gene: DMD (dystrophin; minus strand). Cytogenetic location: Xp21.2-21.1.
Variant type: Deletion.
Identifiers: ClinVar variation 2424925 (VCV002424925.5).